The following is an entry in ClinVar:

NM_152743.4(BRAT1):c.963C>G (p.Leu321=)

Gene: BRAT1 (BRCA1 associated ATM activator 1; minus strand). Cytogenetic location: 7p22.3.
Variant type: single nucleotide variant.
Coding change: c.963C>G on transcript NM_152743.4 (MANE Select); coding-DNA position 963, C replaced by G.
Protein change: p.Leu321=; no amino-acid change (leucine 321 retained).
Molecular consequence: synonymous variant. On other transcripts: non-coding transcript variant (1).
Genome position (GRCh38, 1-based): chr7:2,542,172, G>C on the plus strand (C>G on the coding strand, the complement: BRAT1 is on the minus strand). VCF-style: chr7-2542172-G-C. GRCh37 (hg19) VCF-style: chr7-2581806-G-C.
Other names: c.963C>G, p.Leu321= (NM_001350626.2); c.438C>G, p.Leu146= (NM_001350627.2).
Identifiers: ClinVar variation 735686 (VCV000735686.14), dbSNP rs181738663, ClinGen allele CA4127986.
Genomic context (GRCh38, chr7:2,542,172, plus strand): 5'-CAGCACACCTGGGGGTCCGGGGGCCTGAACCGTGGCCTTCAGGACACAGGCCAGGGGCTG[G>C]AGAAGGACCTGGAAGGCCTGGGTCCTCAGTGCCTGTGGACTGGAGACAAACGCGAGGTGA-3'
Protein context (NP_689956.2, residues 311-331): ALRTQAFQVL[Leu321=]QPLACVLKAT

ClinVar aggregate classification (germline): Likely benign. Review status: criteria provided, multiple submitters, no conflicts (2 of 4 stars). 3 submissions from 3 submitters: Likely benign (2). 1 of the submissions does not count toward it. Last evaluated 2025-11-06.

Conditions:
Neonatal-onset encephalopathy with rigidity and seizures. Also called: Lethal neonatal spasticity-epileptic encephalopathy syndrome. Identifiers: Orphanet 435845, MedGen C3281029, MONDO:0013784, OMIM 614498.
BRAT1-related disorder. Also called: BRAT1-related condition; BRAT1-related disorders.

Allele frequency attached by ClinVar (database versions not stated): ExAC 0.00004; gnomAD 0.00006; TOPMed 0.00006; 1000 Genomes Project 0.00020; 1000 Genomes Project 30x 0.00047.
gnomAD v4.1: 54 of 1,571,850 alleles (0.0034%); highest among the groups gnomAD compares: East Asian, 0.082%; no homozygotes.

Submissions (3):

Labcorp Genetics (formerly Invitae), Labcorp
Classification: Likely benign for Neonatal-onset encephalopathy with rigidity and seizures. Last evaluated: 2025-11-06. Review status: criteria provided, single submitter. Criteria: Invitae Variant Classification Sherloc (09022015). Collection method: clinical testing. Allele origin: germline.

Blueprint Genetics
Classification: Likely benign. Last evaluated: 2024-10-28. Review status: criteria provided, single submitter. Criteria: ACMG Guidelines, 2015. Collection method: clinical testing. Allele origin: germline.

PreventionGenetics, part of Exact Sciences
Classification: Likely benign for BRAT1-related condition. Last evaluated: 2019-02-22. Review status: no assertion criteria provided. Collection method: clinical testing. Allele origin: germline. Not counted in ClinVar's aggregate classification.
Comment: This variant is classified as likely benign based on ACMG/AMP sequence variant interpretation guidelines (Richards et al. 2015 PMID: 25741868, with internal and published modifications).